The following is an entry in ClinVar:

NM_014484.5(MOCS3):c.1285T>C (p.Ser429Pro)

Gene: MOCS3 (molybdenum cofactor synthesis 3; plus strand). Cytogenetic location: 20q13.13.
Variant type: single nucleotide variant.
Coding change: c.1285T>C on transcript NM_014484.5 (MANE Select); coding-DNA position 1285, T replaced by C.
Protein change: p.Ser429Pro; replaces serine 429 with proline.
Molecular consequence: missense variant.
Genome position (GRCh38, 1-based): chr20:50,960,127, T>C. VCF-style: chr20-50960127-T-C. GRCh37 (hg19) VCF-style: chr20-49576664-T-C.
Other names: short protein forms S429P.
Identifiers: ClinVar variation 2798050 (VCV002798050.3), dbSNP rs7269297, ClinGen allele CA408986798.

ClinVar aggregate classification (germline): Uncertain significance (1 of 4 stars; one submission).

Submission:

Labcorp Genetics (formerly Invitae), Labcorp
Classification: Uncertain significance. Last evaluated: 2023-06-16. Review status: criteria provided, single submitter. Criteria: Invitae Variant Classification Sherloc (09022015). Collection method: clinical testing. Allele origin: germline.
Comment: In summary, the available evidence is currently insufficient to determine the role of this variant in disease. Therefore, it has been classified as a Variant of Uncertain Significance. Algorithms developed to predict the effect of missense changes on protein structure and function output the following: SIFT: "Not Available"; PolyPhen-2: "Benign"; Align-GVGD: "Not Available". The proline amino acid residue is found in multiple mammalian species, which suggests that this missense change does not adversely affect protein function. This variant has not been reported in the literature in individuals affected with MOCS3-related conditions. This variant is not present in population databases (gnomAD no frequency). This sequence change replaces serine, which is neutral and polar, with proline, which is neutral and non-polar, at codon 429 of the MOCS3 protein (p.Ser429Pro).